The following is an entry in ClinVar:

ClinVar aggregate classification (germline): Benign. Review status: criteria provided, multiple submitters, no conflicts (2 of 4 stars). 12 submissions from 11 submitters: Benign (10). 2 of the submissions do not count toward it. Last evaluated 2026-05-08.

Conditions:
Ellis-van Creveld syndrome (EVC). Also called: Chondroectodermal dysplasia; MESOECTODERMAL DYSPLASIA. Identifiers: Orphanet 289, MedGen C0013903, MONDO:0009162, OMIM 225500.
Curry-Hall syndrome (WAD). Also called: WEYERS ACRODENTAL DYSOSTOSIS. Identifiers: Orphanet 952, MedGen C0457013, MONDO:0008673, OMIM 193530.

Allele frequency attached by ClinVar (database versions not stated): gnomAD exomes 0.39840 and 0.41322; ESP Exome Variant Server 0.40566; gnomAD 0.40746 and 0.41196; TOPMed 0.40958; ExAC 0.41769; 1000 Genomes Project 30x 0.46252; 1000 Genomes Project 0.47145.
gnomAD v4.1: 645,446 of 1,613,814 alleles (40%); highest among the groups gnomAD compares: East Asian, 64%; 132,275 homozygotes.

Submissions (12):

Women's Health and Genetics/Laboratory Corporation of America, LabCorp
Classification: Benign. Last evaluated: 2026-05-08. Review status: criteria provided, single submitter. Criteria: LabCorp Variant Classification Summary - May 2015. Collection method: clinical testing. Allele origin: germline.

Labcorp Genetics (formerly Invitae), Labcorp
Classification: Benign for Curry-Hall syndrome; Ellis-van Creveld syndrome. Last evaluated: 2026-02-04. Review status: criteria provided, single submitter. Criteria: Invitae Variant Classification Sherloc (09022015). Collection method: clinical testing. Allele origin: germline.

Blueprint Genetics
Classification: Benign. Last evaluated: 2024-11-26. Review status: criteria provided, single submitter. Criteria: ACMG Guidelines, 2015. Collection method: clinical testing. Allele origin: germline.

Genome-Nilou Lab
Classification: Benign for Curry-Hall syndrome. Last evaluated: 2021-07-30. Review status: criteria provided, single submitter. Criteria: ACMG Guidelines, 2015. Collection method: clinical testing. Allele origin: germline. Affected: no.

Genome-Nilou Lab
Classification: Benign for Ellis-van Creveld syndrome. Last evaluated: 2021-07-30. Review status: criteria provided, single submitter. Criteria: ACMG Guidelines, 2015. Collection method: clinical testing. Allele origin: germline. Affected: no.

Pars Genome Lab
Classification: Benign for Ellis-van Creveld syndrome. Last evaluated: 2021-06-15. Review status: criteria provided, single submitter. Criteria: ACMG Guidelines, 2015. Collection method: clinical testing. Allele origin: germline. Affected: no.

Illumina Laboratory Services, Illumina
Classification: Benign for Ellis-van Creveld syndrome. Last evaluated: 2018-01-13. Review status: criteria provided, single submitter. Criteria: ICSL Variant Classification Criteria 13 December 2019. Collection method: clinical testing. Allele origin: germline.
Comment: This variant was observed in the ICSL laboratory as part of a predisposition screen in an ostensibly healthy population. It had not been previously curated by ICSL or reported in the Human Gene Mutation Database (HGMD: prior to June 1st, 2018), and was therefore a candidate for classification through an automated scoring system. Utilizing variant allele frequency, disease prevalence and penetrance estimates, and inheritance mode, an automated score was calculated to assess if this variant is too frequent to cause the disease. Based on the score and internal cut-off values, a variant classified as benign is not then subjected to further curation. The score for this variant resulted in a classification of benign for this disease.

GeneDx
Classification: Benign. Last evaluated: 2016-03-03. Review status: criteria provided, single submitter. Criteria: GeneDx Variant Classification (06012015). Collection method: clinical testing. Allele origin: germline. Affected: yes.
Comment: This variant is considered likely benign or benign based on one or more of the following criteria: it is a conservative change, it occurs at a poorly conserved position in the protein, it is predicted to be benign by multiple in silico algorithms, and/or has population frequency not consistent with disease.

Breakthrough Genomics
Classification: Benign. Review status: criteria provided, single submitter. Criteria: ACMG Guidelines, 2015. Collection method: not provided. Allele origin: germline. Inheritance: Autosomal recessive inheritance. Affected: yes.

PreventionGenetics, part of Exact Sciences
Classification: Benign. Review status: criteria provided, single submitter. Criteria: ACMG Guidelines, 2015. Collection method: clinical testing. Allele origin: germline.

Diagnostic Laboratory, Department of Genetics, University Medical Center Groningen
Classification: Benign. Review status: no assertion criteria provided. Collection method: clinical testing. Allele origin: germline. Affected: yes. Study: VKGL Data-share Consensus. Not counted in ClinVar's aggregate classification.

Joint Genome Diagnostic Labs from Nijmegen and Maastricht, Radboudumc and MUMC+
Classification: Benign. Review status: no assertion criteria provided. Collection method: clinical testing. Allele origin: germline. Affected: yes. Study: VKGL Data-share Consensus. Not counted in ClinVar's aggregate classification.

NM_153717.3(EVC):c.969T>C (p.Asn323=)

Gene: EVC (EvC ciliary complex subunit 1; plus strand). Cytogenetic location: 4p16.2.
Variant type: single nucleotide variant.
Coding change: c.969T>C on transcript NM_153717.3 (MANE Select); coding-DNA position 969, T replaced by C.
Protein change: p.Asn323=; no amino-acid change (asparagine 323 retained).
Molecular consequence: synonymous variant.
Genome position (GRCh38, 1-based): chr4:5,748,177, T>C. VCF-style: chr4-5748177-T-C. GRCh37 (hg19) VCF-style: chr4-5749904-T-C.
Other names: c.969T>C, p.Asn323= (NM_001306090.2, NM_001306092.2).
Identifiers: ClinVar variation 262786 (VCV000262786.28), dbSNP rs4688963, ClinGen allele CA2835950.